The following is an entry in ClinVar:

NM_174936.4(PCSK9):c.504G>A (p.Ala168=)

Gene: PCSK9 (proprotein convertase subtilisin/kexin type 9; plus strand). Cytogenetic location: 1p32.3.
Variant type: single nucleotide variant.
Coding change: c.504G>A on transcript NM_174936.4 (MANE Select); coding-DNA position 504, G replaced by A.
Protein change: p.Ala168=; no amino-acid change (alanine 168 retained).
Molecular consequence: synonymous variant.
Genome position (GRCh38, 1-based): chr1:55,046,627, G>A. VCF-style: chr1-55046627-G-A. GRCh37 (hg19) VCF-style: chr1-55512300-G-A.
Identifiers: ClinVar variation 926971 (VCV000926971.7), dbSNP rs776208295, ClinGen allele CA042596.

ClinVar aggregate classification (germline): Likely benign. Review status: criteria provided, multiple submitters, no conflicts (2 of 4 stars). 4 submissions from 4 submitters: Likely benign (4). Last evaluated 2024-08-31.

Conditions:
Familial hypercholesterolemia. Also called: Familial hypercholesterolaemia; Familial hypercholesterolemias. Identifiers: MedGen C0020445, MONDO:0005439.
Hypercholesterolemia, autosomal dominant, 3 (FHCL3). Also called: PCSK9-Related Familial Hypercholesterolemia, Autosomal Dominant; Familial hypercholesterolemia 3; Familial Hypercholesterolemia, Autosomal Dominant, 3. Identifiers: MedGen C1863551, MONDO:0011369, OMIM 603776.
Cardiovascular phenotype. Identifiers: MedGen CN230736.

Allele frequency attached by ClinVar (database versions not stated): gnomAD exomes 0.00001 and 0.00003; ExAC 0.00002; TOPMed 0.00002; gnomAD 0.00003 and 0.00004.
gnomAD v4.1: 24 of 1,613,882 alleles (0.0015%); highest among the groups gnomAD compares: South Asian, 0.0055%; no homozygotes.

Submissions (4):

Labcorp Genetics (formerly Invitae), Labcorp
Classification: Likely benign for Hypercholesterolemia, autosomal dominant, 3. Last evaluated: 2024-08-31. Review status: criteria provided, single submitter. Criteria: Invitae Variant Classification Sherloc (09022015). Collection method: clinical testing. Allele origin: germline.

All of Us Research Program, National Institutes of Health
Classification: Likely benign for Hypercholesterolemia, autosomal dominant, 3. Last evaluated: 2023-10-02. Review status: criteria provided, single submitter. Criteria: ACMG Guidelines, 2015. Collection method: clinical testing. Allele origin: germline. Inheritance: Autosomal dominant inheritance. Observed: 4 variant alleles, 4 heterozygotes.
Comment: This study involves interpretation of variants in research participants for the purpose of population health screening. Participant phenotype was not available at the time of variant classification. Additional details can be found in publication PMID: 35346344, PMCID: PMC8962531

Ambry Genetics
Classification: Likely benign for Cardiovascular phenotype. Last evaluated: 2020-10-03. Review status: criteria provided, single submitter. Criteria: Ambry Variant Classification Scheme 2023. Collection method: clinical testing. Allele origin: germline.

Color Diagnostics, LLC DBA Color Health
Classification: Likely benign for Familial hypercholesterolemia. Last evaluated: 2019-08-26. Review status: criteria provided, single submitter. Criteria: ACMG Guidelines, 2015. Collection method: clinical testing. Allele origin: germline.